The following is an entry in ClinVar:

ClinVar aggregate classification (germline): Uncertain significance (1 of 4 stars; one submission).

Conditions:
Severe combined immunodeficiency, autosomal recessive, T cell-negative, B cell-negative, NK cell-positive. Also called: SCID, T CELL-NEGATIVE, B CELL-NEGATIVE, NK CELL-POSITIVE; Severe combined immunodeficiency due to complete RAG1/2 deficiency; SCID, AR, T-cell negative, B-cell negative, NK cell-positive. Identifiers: Orphanet 331206, MedGen C1832322, MONDO:0011086, OMIM 601457.
Combined immunodeficiency with skin granulomas. Identifiers: Orphanet 157949, MedGen C2673536, MONDO:0009306, OMIM 233650.

Allele frequency attached by ClinVar (database versions not stated): TOPMed below 0.00001.
gnomAD v4.1: 2 of 1,614,098 alleles (0.00012%); highest among the groups gnomAD compares: Admixed American, 0.0017%; no homozygotes.

Submission:

Labcorp Genetics (formerly Invitae), Labcorp
Classification: Uncertain significance for Combined immunodeficiency with skin granulomas; Severe combined immunodeficiency, autosomal recessive, T cell-negative, B cell-negative, NK cell-positive. Last evaluated: 2022-04-12. Review status: criteria provided, single submitter. Criteria: Invitae Variant Classification Sherloc (09022015). Collection method: clinical testing. Allele origin: germline.
Comment: Algorithms developed to predict the effect of missense changes on protein structure and function are either unavailable or do not agree on the potential impact of this missense change (SIFT: "Deleterious"; PolyPhen-2: "Possibly Damaging"; Align-GVGD: "Class C0"). This variant has not been reported in the literature in individuals affected with RAG1-related conditions. In summary, the available evidence is currently insufficient to determine the role of this variant in disease. Therefore, it has been classified as a Variant of Uncertain Significance. This variant is not present in population databases (gnomAD no frequency). This sequence change replaces serine, which is neutral and polar, with alanine, which is neutral and non-polar, at codon 37 of the RAG1 protein (p.Ser37Ala).

NM_000448.3(RAG1):c.109T>G (p.Ser37Ala)

Gene: RAG1 (recombination activating 1; plus strand). Cytogenetic location: 11p12.
Variant type: single nucleotide variant.
Coding change: c.109T>G on transcript NM_000448.3 (MANE Select); coding-DNA position 109, T replaced by G.
Protein change: p.Ser37Ala; replaces serine 37 with alanine.
Molecular consequence: missense variant.
Genome position (GRCh38, 1-based): chr11:36,573,413, T>G. VCF-style: chr11-36573413-T-G. GRCh37 (hg19) VCF-style: chr11-36594963-T-G.
Other names: c.109T>G, p.Ser37Ala (NM_001377277.1, NM_001377278.1, NM_001377279.1 and 1 more transcripts); short protein forms S37A.
Identifiers: ClinVar variation 1972558 (VCV001972558.5), dbSNP rs1162129015, ClinGen allele CA380145548.